The following is an entry in ClinVar:

ClinVar aggregate classification (germline): Likely pathogenic (1 of 4 stars; one submission).

Conditions:
LAMA2-related muscular dystrophy (LAMA2-RD). Also called: Laminin alpha 2-related dystrophy. Identifiers: MedGen C5679788, MONDO:0100228.

Allele frequency attached by ClinVar (database versions not stated): ExAC 0.00001.

Submission:

Labcorp Genetics (formerly Invitae), Labcorp
Classification: Likely pathogenic for LAMA2-related muscular dystrophy. Last evaluated: 2024-01-09. Review status: criteria provided, single submitter. Criteria: Invitae Variant Classification Sherloc (09022015). Collection method: clinical testing. Allele origin: germline.
Comment: This sequence change affects an acceptor splice site in intron 43 of the LAMA2 gene. It is expected to disrupt RNA splicing. Variants that disrupt the donor or acceptor splice site typically lead to a loss of protein function (PMID: 16199547), and loss-of-function variants in LAMA2 are known to be pathogenic (PMID: 18700894, 32904964). This variant is present in population databases (rs759727498, gnomAD 0.0009%). This variant has not been reported in the literature in individuals affected with LAMA2-related conditions. Algorithms developed to predict the effect of sequence changes on RNA splicing suggest that this variant may disrupt the consensus splice site. In summary, the currently available evidence indicates that the variant is pathogenic, but additional data are needed to prove that conclusively. Therefore, this variant has been classified as Likely Pathogenic.

Literature cited by the submitters: PubMed 16199547; PubMed 18700894; PubMed 32904964.

NM_000426.4(LAMA2):c.6269-1G>C

Gene: LAMA2 (laminin subunit alpha 2; plus strand). Cytogenetic location: 6q22.33.
Variant type: single nucleotide variant.
Coding change: c.6269-1G>C on transcript NM_000426.4 (MANE Select); the canonical splice acceptor site of the intron before coding-DNA position 6269, G replaced by C.
Molecular consequence: splice acceptor variant.
Genome position (GRCh38, 1-based): chr6:129,443,062, G>C. VCF-style: chr6-129443062-G-C. GRCh37 (hg19) VCF-style: chr6-129764207-G-C.
Other names: c.6269-1G>C (NM_001079823.2).
Identifiers: ClinVar variation 2708543 (VCV002708543.3), dbSNP rs759727498, ClinGen allele CA3994195.